The following is an entry in ClinVar:

ClinVar aggregate classification (germline): Uncertain significance (1 of 4 stars; one submission).

gnomAD v4.1: 1 of 1,614,132 alleles (0.000062%); highest among the groups gnomAD compares: Non-Finnish European, 0.000085%; no homozygotes.

Submission:

Labcorp Genetics (formerly Invitae), Labcorp
Classification: Uncertain significance. Last evaluated: 2022-03-29. Review status: criteria provided, single submitter. Criteria: Invitae Variant Classification Sherloc (09022015). Collection method: clinical testing. Allele origin: germline.
Comment: This variant is not present in population databases (gnomAD no frequency). In summary, the available evidence is currently insufficient to determine the role of this variant in disease. Therefore, it has been classified as a Variant of Uncertain Significance. Algorithms developed to predict the effect of missense changes on protein structure and function are either unavailable or do not agree on the potential impact of this missense change (SIFT: "Deleterious"; PolyPhen-2: "Benign"; Align-GVGD: "Class C25"). This variant has not been reported in the literature in individuals affected with NBAS-related conditions. This sequence change replaces tyrosine, which is neutral and polar, with cysteine, which is neutral and slightly polar, at codon 477 of the NBAS protein (p.Tyr477Cys).

NM_015909.4(NBAS):c.1430A>G (p.Tyr477Cys)

Gene: NBAS (NBAS subunit of NRZ tethering complex; minus strand). Cytogenetic location: 2p24.3.
Variant type: single nucleotide variant.
Coding change: c.1430A>G on transcript NM_015909.4 (MANE Select); coding-DNA position 1430, A replaced by G.
Protein change: p.Tyr477Cys; replaces tyrosine 477 with cysteine.
Molecular consequence: missense variant. On other transcripts: non-coding transcript variant (1).
Genome position (GRCh38, 1-based): chr2:15,474,236, T>C on the plus strand (A>G on the coding strand, the complement: NBAS is on the minus strand). VCF-style: chr2-15474236-T-C. GRCh37 (hg19) VCF-style: chr2-15614360-T-C.
Other names: short protein forms Y477C.
Identifiers: ClinVar variation 2119590 (VCV002119590.4), dbSNP rs1680087892, ClinGen allele CA345888895.
Genomic context (GRCh38, chr2:15,474,236, plus strand): 5'-GTCACCAAGTAAAGGCCCTGTTTTATATAACCAAAGTAGCGAGCCTTGGCAGATATTTCA[T>C]AATCAGAATCAGAATCCTCTTCTCCTTCATCTTCTTCTCCAGCTCTAGTCTCCAAACGAG-3'
Protein context (NP_056993.2, residues 467-487): DEGEEDSDSD[Tyr477Cys]EISAKARYFG